The following is an entry in ClinVar:

ClinVar aggregate classification (germline): Uncertain significance (1 of 4 stars; one submission).

Submission:

Labcorp Genetics (formerly Invitae), Labcorp
Classification: Uncertain significance. Last evaluated: 2025-05-13. Review status: criteria provided, single submitter. Criteria: Invitae Variant Classification Sherloc (09022015). Collection method: clinical testing. Allele origin: germline.
Comment: This sequence change replaces alanine, which is neutral and non-polar, with valine, which is neutral and non-polar, at codon 1396 of the KMT2B protein (p.Ala1396Val). This variant is not present in population databases (gnomAD no frequency). This variant has not been reported in the literature in individuals affected with KMT2B-related conditions. Invitae Evidence Modeling of protein sequence and biophysical properties (such as structural, functional, and spatial information, amino acid conservation, physicochemical variation, residue mobility, and thermodynamic stability) indicates that this missense variant is not expected to disrupt KMT2B protein function with a negative predictive value of 95%. In summary, the available evidence is currently insufficient to determine the role of this variant in disease. Therefore, it has been classified as a Variant of Uncertain Significance.

NM_014727.3(KMT2B):c.4187C>T (p.Ala1396Val)

Gene: KMT2B (lysine methyltransferase 2B; plus strand). Cytogenetic location: 19q13.12.
Variant type: single nucleotide variant.
Coding change: c.4187C>T on transcript NM_014727.3 (MANE Select); coding-DNA position 4187, C replaced by T.
Protein change: p.Ala1396Val; replaces alanine 1396 with valine.
Molecular consequence: missense variant.
Genome position (GRCh38, 1-based): chr19:35,727,507, C>T. VCF-style: chr19-35727507-C-T. GRCh37 (hg19) VCF-style: chr19-36218408-C-T.
Other names: short protein forms A1396V.
Identifiers: ClinVar variation 4760535 (VCV004760535.1).
Genomic context (GRCh38, chr19:35,727,507, plus strand): 5'-ACGAGATCCTTTCAGGACTGCCAGACTCGGTGCTGTACACCTGCGGACCGTGTGCTGGGG[C>T]AGCGCAGCCCCGCTGGCGAGAGGCCCTGAGCGGGGCCCTCCAGGGGGGCCTGCGCCAGGT-3'
Protein context (NP_055542.1, residues 1386-1406): VLYTCGPCAG[Ala1396Val]AQPRWREALS